The following is an entry in ClinVar:

ClinVar aggregate classification (germline): Pathogenic (1 of 4 stars; one submission).

Allele frequency attached by ClinVar (database versions not stated): gnomAD exomes 0.00002.

Submission:

Labcorp Genetics (formerly Invitae), Labcorp
Classification: Pathogenic. Last evaluated: 2023-01-28. Review status: criteria provided, single submitter. Criteria: Invitae Variant Classification Sherloc (09022015). Collection method: clinical testing. Allele origin: germline.
Comment: This sequence change creates a premature translational stop signal (p.Ile646Hisfs*4) in the OCA2 gene. It is expected to result in an absent or disrupted protein product. Loss-of-function variants in OCA2 are known to be pathogenic (PMID: 19865097, 21541274). This variant is not present in population databases (gnomAD no frequency). This variant has not been reported in the literature in individuals affected with OCA2-related conditions. For these reasons, this variant has been classified as Pathogenic.

Literature cited by the submitters: PubMed 19865097; PubMed 21541274.

NM_000275.3(OCA2):c.1935dup (p.Ile646fs)

Gene: OCA2 (OCA2 melanosomal transmembrane protein; minus strand). Cytogenetic location: 15q13.1.
Variant type: Duplication.
Coding change: c.1935dup on transcript NM_000275.3 (MANE Select); coding-DNA position 1935, one base duplicated (C; older notation c.1935dupC).
Protein change: p.Ile646fs; shifts the reading frame from isoleucine 646.
Molecular consequence: frameshift variant.
Genome position (GRCh38, 1-based): chr15:27,951,800, G duplicated on the plus strand (C on the coding strand, the reverse complement: OCA2 is on the minus strand). VCF-style (leftmost placement, unchanged base first): chr15-27951799-T-TG. GRCh37 (hg19) VCF-style: chr15-28196945-T-TG.
Other names: c.1863dup, p.Ile622fs (NM_001300984.2); short protein forms I622fs, I646fs.
Identifiers: ClinVar variation 2832369 (VCV002832369.3), dbSNP rs2506396936, ClinGen allele CA2627380110.
Genomic context (GRCh38, chr15:27,951,799, plus strand): 5'-CCAGAATGTGACAAAGCCTATGAACCAAAGCTAAATTAGACTCACCAAGATCAAGATGAA[T>TG]GCCAGGGACAAACGAATTGAGGAAAAACATGAAGATAACAAATCCCAACACTGTCAGGCA-3'